The following is an entry in ClinVar:

NM_024642.5(GALNT12):c.136_138delinsAGA (p.Gly46Arg)

Gene: GALNT12 (polypeptide N-acetylgalactosaminyltransferase 12; plus strand). Cytogenetic location: 9q22.33.
Variant type: Indel.
Coding change: c.136_138delinsAGA on transcript NM_024642.5 (MANE Select); coding-DNA positions 136 to 138, GGG replaced by AGA.
Protein change: p.Gly46Arg; replaces glycine 46 with arginine.
Molecular consequence: missense variant.
Genome position (GRCh38, 1-based): chr9:98,807,834-98,807,836, GGG replaced by AGA. VCF-style: chr9-98807834-GGG-AGA. GRCh37 (hg19) VCF-style: chr9-101570116-GGG-AGA.
Other names: short protein forms G46R.
Identifiers: ClinVar variation 241508 (VCV000241508.13), dbSNP rs878855093, ClinGen allele CA10582693.

ClinVar aggregate classification (germline): Conflicting classifications of pathogenicity. Review status: criteria provided, conflicting classifications (1 of 4 stars). 6 submissions from 6 submitters: Uncertain significance (1); Benign (1); Likely benign (3). 1 of the submissions does not count toward it. Last evaluated 2026-04-22.

Conditions:
GALNT12-related disorder. Also called: GALNT12-related condition.
Colorectal cancer, susceptibility to, 1. Also called: COLORECTAL ADENOMA AND CANCER, SUSCEPTIBILITY TO; COLORECTAL CANCER, SUSCEPTIBILITY TO, ON CHROMOSOME 9. Identifiers: MedGen C1837315, MONDO:0012132, OMIM 608812.

Submissions (6):

Myriad Genetics, Inc.
Classification: Benign for Colorectal cancer, susceptibility to, 1. Last evaluated: 2026-04-22. Review status: criteria provided, single submitter. Criteria: Myriad Autosomal Dominant, Autosomal Recessive and X-Linked Classification Criteria (2023). Collection method: clinical testing. Allele origin: unknown.
Comment: This variant is considered benign. This variant has been observed at a population frequency that is significantly greater than expected given the associated disease prevalence and penetrance.

Labcorp Genetics (formerly Invitae), Labcorp
Classification: Likely benign. Last evaluated: 2023-10-10. Review status: criteria provided, single submitter. Criteria: Invitae Variant Classification Sherloc (09022015). Collection method: clinical testing. Allele origin: germline.

Quest Diagnostics Nichols Institute San Juan Capistrano
Classification: Likely benign. Last evaluated: 2022-10-25. Review status: criteria provided, single submitter. Criteria: Quest Diagnostics criteria. Collection method: clinical testing. Allele origin: unknown.

Department of Pathology and Laboratory Medicine, Sinai Health System
Classification: Uncertain significance for Colorectal cancer, susceptibility to, 1. Last evaluated: 2022-06-24. Review status: criteria provided, single submitter. Criteria: ACMG Guidelines, 2015. Collection method: clinical testing. Allele origin: germline. Affected: yes.

Ambry Genetics
Classification: Likely benign. Last evaluated: 2019-09-14. Review status: criteria provided, single submitter. Criteria: Ambry Variant Classification Scheme 2023. Collection method: clinical testing. Allele origin: germline.

PreventionGenetics, part of Exact Sciences
Classification: Likely benign for GALNT12-related condition. Last evaluated: 2023-08-01. Review status: no assertion criteria provided. Collection method: clinical testing. Allele origin: germline. Not counted in ClinVar's aggregate classification.
Comment: This variant is classified as likely benign based on ACMG/AMP sequence variant interpretation guidelines (Richards et al. 2015 PMID: 25741868, with internal and published modifications).